The following is an entry in ClinVar:

ClinVar aggregate classification (germline): Uncertain significance (1 of 4 stars; one submission).

Conditions:
Alpha thalassemia-X-linked intellectual disability syndrome (ATRX). Also called: X-linked alpha-thalassemia-mental retardation syndrome; ALPHA-THALASSEMIA/IMPAIRED INTELLECTUAL DEVELOPMENT SYNDROME, X-LINKED; ALPHA-THALASSEMIA/MENTAL RETARDATION SYNDROME, X-LINKED; ATR, NONDELETION TYPE; ATR-X syndrome; Alpha thalassemia mental retardation syndrome, nondeletion type, X-linked. Identifiers: Orphanet 847, MedGen C1845055, MONDO:0010519, OMIM 301040.

Submission:

Labcorp Genetics (formerly Invitae), Labcorp
Classification: Uncertain significance for Alpha thalassemia-X-linked intellectual disability syndrome. Last evaluated: 2021-08-04. Review status: criteria provided, single submitter. Criteria: Invitae Variant Classification Sherloc (09022015). Collection method: clinical testing. Allele origin: germline.
Comment: Algorithms developed to predict the effect of sequence changes on RNA splicing suggest that this variant may create or strengthen a splice site. This sequence change replaces isoleucine with serine at codon 565 of the ATRX protein (p.Ile565Ser). The isoleucine residue is weakly conserved and there is a large physicochemical difference between isoleucine and serine. This variant is not present in population databases (ExAC no frequency). This variant has not been reported in the literature in individuals affected with ATRX-related conditions. Advanced modeling of protein sequence and biophysical properties (such as structural, functional, and spatial information, amino acid conservation, physicochemical variation, residue mobility, and thermodynamic stability) performed at Invitae indicates that this missense variant is not expected to disrupt ATRX protein function. In summary, the available evidence is currently insufficient to determine the role of this variant in disease. Therefore, it has been classified as a Variant of Uncertain Significance.

NM_000489.6(ATRX):c.1694T>G (p.Ile565Ser)

Gene: ATRX (ATRX chromatin remodeler; minus strand). Cytogenetic location: Xq21.1.
Variant type: single nucleotide variant.
Coding change: c.1694T>G on transcript NM_000489.6 (MANE Select); coding-DNA position 1694, T replaced by G.
Protein change: p.Ile565Ser; replaces isoleucine 565 with serine.
Molecular consequence: missense variant.
Genome position (GRCh38, 1-based): chrX:77,683,562, A>C on the plus strand (T>G on the coding strand, the complement: ATRX is on the minus strand). VCF-style: chrX-77683562-A-C. GRCh37 (hg19) VCF-style: chrX-76939054-A-C.
Other names: c.1580T>G, p.Ile527Ser (NM_138270.5); short protein forms I527S, I565S.
Identifiers: ClinVar variation 1475498 (VCV001475498.6), dbSNP rs1557140924, ClinGen allele CA413716893.